The following is an entry in ClinVar:

NM_130837.3(OPA1):c.431A>C (p.Asp144Ala)

Gene: OPA1 (OPA1 mitochondrial dynamin like GTPase; plus strand). Cytogenetic location: 3q29.
Variant type: single nucleotide variant.
Coding change: c.431A>C on transcript NM_130837.3 (MANE Select); coding-DNA position 431, A replaced by C.
Protein change: p.Asp144Ala; replaces aspartic acid 144 with alanine.
Molecular consequence: missense variant.
Genome position (GRCh38, 1-based): chr3:193,615,753, A>C. VCF-style: chr3-193615753-A-C. GRCh37 (hg19) VCF-style: chr3-193333542-A-C.
Other names: c.59A>C, p.Asp20Ala (NM_001354663.2, NM_001354664.2); c.431A>C, p.Asp144Ala (NM_015560.3, NM_130831.3, NM_130832.3 and 4 more transcripts); short protein forms D144A, D20A.
Identifiers: ClinVar variation 4762899 (VCV004762899.1).
Genomic context (GRCh38, chr3:193,615,753, plus strand): 5'-ATATGATACCGGACCTTAGTGAATATAAATGGATTGTGCCTGACATTGTGTGGGAAATTG[A>C]TGAGTATATCGATTTTGGTTTGTATCATGAACATTAAAATACTTTTTTTGGTCATCTCGA-3'
Protein context (NP_570850.2, residues 134-154): WIVPDIVWEI[Asp144Ala]EYIDFEKIRK

ClinVar aggregate classification (germline): Uncertain significance (1 of 4 stars; one submission).

Submission:

Labcorp Genetics (formerly Invitae), Labcorp
Classification: Uncertain significance. Last evaluated: 2025-07-13. Review status: criteria provided, single submitter. Criteria: Invitae Variant Classification Sherloc (09022015). Collection method: clinical testing. Allele origin: germline.
Comment: This sequence change replaces aspartic acid, which is acidic and polar, with alanine, which is neutral and non-polar, at codon 144 of the OPA1 protein (p.Asp144Ala). This variant is not present in population databases (gnomAD no frequency). This variant has not been reported in the literature in individuals affected with OPA1-related conditions. Invitae Evidence Modeling of protein sequence and biophysical properties (such as structural, functional, and spatial information, amino acid conservation, physicochemical variation, residue mobility, and thermodynamic stability) indicates that this missense variant is not expected to disrupt OPA1 protein function with a negative predictive value of 80%. In summary, the available evidence is currently insufficient to determine the role of this variant in disease. Therefore, it has been classified as a Variant of Uncertain Significance.